The following is an entry in ClinVar:

ClinVar aggregate classification (germline): Benign (1 of 4 stars; one submission).

Conditions:
Pheochromocytoma/paraganglioma syndrome 5. Also called: Paragangliomas 5; SDHA-Related Hereditary Paraganglioma-Pheochromocytoma Syndrome. Identifiers: Orphanet 29072, MedGen C3279992, MONDO:0013602, OMIM 614165.

Submission:

Myriad Genetics, Inc.
Classification: Benign for Pheochromocytoma/paraganglioma syndrome 5. Last evaluated: 2025-03-11. Review status: criteria provided, single submitter. Criteria: Myriad Autosomal Dominant, Autosomal Recessive and X-Linked Classification Criteria (2023). Collection method: clinical testing. Allele origin: unknown.
Comment: This variant is considered benign. This variant is a silent/synonymous amino acid change and it is not expected to impact splicing.

NM_004168.4(SDHA):c.1929_1932delinsGGTA (p.Pro643_Val644=)

Gene: SDHA (succinate dehydrogenase complex flavoprotein subunit A; plus strand). Cytogenetic location: 5p15.33.
Variant type: Indel.
Coding change: c.1929_1932delinsGGTA on transcript NM_004168.4 (MANE Select); coding-DNA positions 1929 to 1932, CGTG replaced by GGTA.
Protein change: p.Pro643_Val644=.
Molecular consequence: synonymous variant.
Genome position (GRCh38, 1-based): chr5:256,354-256,357, CGTG replaced by GGTA. VCF-style: chr5-256354-CGTG-GGTA. GRCh37 (hg19) VCF-style: chr5-256469-CGTG-GGTA.
Other names: c.1785_1788delinsGGTA, p.Pro595_Val596= (NM_001294332.2); c.1686_1689delinsGGTA, p.Pro562_Val563= (NM_001330758.2).
Identifiers: ClinVar variation 3904609 (VCV003904609.1).